The following is an entry in ClinVar:

NM_015629.4(PRPF31):c.789G>A (p.Ser263=)

Gene: PRPF31 (pre-mRNA processing factor 31; plus strand). Cytogenetic location: 19q13.42.
Variant type: single nucleotide variant.
Coding change: c.789G>A on transcript NM_015629.4 (MANE Select); coding-DNA position 789, G replaced by A.
Protein change: p.Ser263=; no amino-acid change (serine 263 retained).
Molecular consequence: synonymous variant.
Genome position (GRCh38, 1-based): chr19:54,124,590, G>A. VCF-style: chr19-54124590-G-A. GRCh37 (hg19) VCF-style: chr19-54627969-G-A.
Other names: c.789G>A (NM_015629.3).
Identifiers: ClinVar variation 1359721 (VCV001359721.10), dbSNP rs760581700, ClinGen allele CA407751251.

ClinVar aggregate classification (germline): Conflicting classifications of pathogenicity. Review status: criteria provided, conflicting classifications (1 of 4 stars). 3 submissions from 3 submitters: Uncertain significance (1); Likely benign (2). Last evaluated 2025-05-04.

Conditions:
Inborn genetic diseases. Identifiers: MedGen C0950123, MeSH D030342.

Allele frequency attached by ClinVar (database versions not stated): gnomAD exomes 0.00002; gnomAD 0.00004.
gnomAD v4.1: 27 of 1,613,356 alleles (0.0017%); highest among the groups gnomAD compares: Middle Eastern, 0.016%; no homozygotes.

Submissions (3):

Ambry Genetics
Classification: Likely benign for Inborn genetic diseases. Last evaluated: 2025-05-04. Review status: criteria provided, single submitter. Criteria: Ambry Variant Classification Scheme 2023. Collection method: clinical testing. Allele origin: germline.

Labcorp Genetics (formerly Invitae), Labcorp
Classification: Uncertain significance. Last evaluated: 2024-11-11. Review status: criteria provided, single submitter. Criteria: Invitae Variant Classification Sherloc (09022015). Collection method: clinical testing. Allele origin: germline.
Comment: This sequence change affects codon 263 of the PRPF31 mRNA. It is a 'silent' change, meaning that it does not change the encoded amino acid sequence of the PRPF31 protein. This variant is present in population databases (rs760581700, gnomAD 0.006%). This variant has been observed in individual(s) with retinitis pigmentosa (PMID: 28157192). ClinVar contains an entry for this variant (Variation ID: 1359721). Algorithms developed to predict the effect of sequence changes on RNA splicing suggest that this variant is not likely to affect RNA splicing. In summary, the available evidence is currently insufficient to determine the role of this variant in disease. Therefore, it has been classified as a Variant of Uncertain Significance.

Blueprint Genetics
Classification: Likely benign. Last evaluated: 2021-02-01. Review status: criteria provided, single submitter. Criteria: ACMG Guidelines, 2015. Collection method: clinical testing. Allele origin: germline.

Literature cited by the submitters: PubMed 28157192 (cited by Labcorp Genetics (formerly Invitae), Labcorp).